The following is an entry in ClinVar:

NM_001386140.1(MTTP):c.2335A>T (p.Lys779Ter)

Gene: MTTP (microsomal triglyceride transfer protein; plus strand). Cytogenetic location: 4q23.
Variant type: single nucleotide variant.
Coding change: c.2335A>T on transcript NM_001386140.1 (MANE Select); coding-DNA position 2335, A replaced by T.
Protein change: p.Lys779Ter; replaces lysine 779 with a stop codon.
Molecular consequence: nonsense.
Genome position (GRCh38, 1-based): chr4:99,619,091, A>T. VCF-style: chr4-99619091-A-T. GRCh37 (hg19) VCF-style: chr4-100540248-A-T.
Other names: c.2335A>T, p.Lys779Ter (NM_000253.4); c.2086A>T, p.Lys696Ter (NM_001300785.2); short protein forms K696*, K779*.
Identifiers: ClinVar variation 1455866 (VCV001455866.6), dbSNP rs2110237126, ClinGen allele CA357518554.

ClinVar aggregate classification (germline): Pathogenic (1 of 4 stars; one submission).

Submission:

Labcorp Genetics (formerly Invitae), Labcorp
Classification: Pathogenic. Last evaluated: 2021-02-20. Review status: criteria provided, single submitter. Criteria: Invitae Variant Classification Sherloc (09022015). Collection method: clinical testing. Allele origin: germline.
Comment: For these reasons, this variant has been classified as Pathogenic. This variant has not been reported in the literature in individuals with MTTP-related conditions. This variant is not present in population databases (ExAC no frequency). This sequence change creates a premature translational stop signal (p.Lys779*) in the MTTP gene. It is expected to result in an absent or disrupted protein product. Loss-of-function variants in MTTP are known to be pathogenic (PMID: 8533758, 9671739).

Literature cited by the submitters: PubMed 8533758; PubMed 9671739.